The following is an entry in ClinVar:

NM_004863.4(SPTLC2):c.430G>A (p.Ala144Thr)

Gene: SPTLC2 (serine palmitoyltransferase long chain base subunit 2; minus strand). Cytogenetic location: 14q24.3.
Variant type: single nucleotide variant.
Coding change: c.430G>A on transcript NM_004863.4 (MANE Select); coding-DNA position 430, G replaced by A.
Protein change: p.Ala144Thr; replaces alanine 144 with threonine.
Molecular consequence: missense variant.
Genome position (GRCh38, 1-based): chr14:77,579,007, C>T on the plus strand (G>A on the coding strand, the complement: SPTLC2 is on the minus strand). VCF-style: chr14-77579007-C-T. GRCh37 (hg19) VCF-style: chr14-78045350-C-T.
Other names: short protein forms A144T.
Identifiers: ClinVar variation 849880 (VCV000849880.9), dbSNP rs1421233916, ClinGen allele CA390700722.

ClinVar aggregate classification (germline): Uncertain significance (1 of 4 stars; one submission).

Conditions:
Neuropathy, hereditary sensory and autonomic, type 1C. Also called: HSAN IC; HSN IC. Identifiers: Orphanet 36386, MedGen C3150896, MONDO:0013337, OMIM 613640.

Allele frequency attached by ClinVar (database versions not stated): gnomAD exomes 0.00001.

Submission:

Labcorp Genetics (formerly Invitae), Labcorp
Classification: Uncertain significance for Neuropathy, hereditary sensory and autonomic, type 1C. Last evaluated: 2024-03-24. Review status: criteria provided, single submitter. Criteria: Invitae Variant Classification Sherloc (09022015). Collection method: clinical testing. Allele origin: germline.
Comment: This sequence change replaces alanine, which is neutral and non-polar, with threonine, which is neutral and polar, at codon 144 of the SPTLC2 protein (p.Ala144Thr). This variant is present in population databases (no rsID available, gnomAD 0.01%). This variant has not been reported in the literature in individuals affected with SPTLC2-related conditions. ClinVar contains an entry for this variant (Variation ID: 849880). Advanced modeling of protein sequence and biophysical properties (such as structural, functional, and spatial information, amino acid conservation, physicochemical variation, residue mobility, and thermodynamic stability) performed at Invitae indicates that this missense variant is not expected to disrupt SPTLC2 protein function with a negative predictive value of 80%. In summary, the available evidence is currently insufficient to determine the role of this variant in disease. Therefore, it has been classified as a Variant of Uncertain Significance.